The following is an entry in ClinVar:

ClinVar aggregate classification (germline): Pathogenic (1 of 4 stars; one submission).

Submission:

Labcorp Genetics (formerly Invitae), Labcorp
Classification: Pathogenic. Last evaluated: 2021-12-13. Review status: criteria provided, single submitter. Criteria: Invitae Variant Classification Sherloc (09022015). Collection method: clinical testing. Allele origin: germline.
Comment: For these reasons, this variant has been classified as Pathogenic. This variant has not been reported in the literature in individuals affected with DUOX2-related conditions. This variant is not present in population databases (gnomAD no frequency). This sequence change creates a premature translational stop signal (p.Trp1182*) in the DUOX2 gene. It is expected to result in an absent or disrupted protein product. Loss-of-function variants in DUOX2 are known to be pathogenic (PMID: 12110737, 18765513, 21565790, 24423310, 24735383).

Literature cited by the submitters: PubMed 12110737; PubMed 18765513; PubMed 21565790; PubMed 24423310; PubMed 24735383.

NM_001363711.2(DUOX2):c.3546G>A (p.Trp1182Ter)

Gene: DUOX2 (dual oxidase 2; minus strand). Cytogenetic location: 15q21.1.
Variant type: single nucleotide variant.
Coding change: c.3546G>A on transcript NM_001363711.2 (MANE Select); coding-DNA position 3546, G replaced by A.
Protein change: p.Trp1182Ter; replaces tryptophan 1182 with a stop codon.
Molecular consequence: nonsense.
Genome position (GRCh38, 1-based): chr15:45,098,028, C>T on the plus strand (G>A on the coding strand, the complement: DUOX2 is on the minus strand). VCF-style: chr15-45098028-C-T. GRCh37 (hg19) VCF-style: chr15-45390226-C-T.
Other names: c.3546G>A, p.Trp1182Ter (NM_014080.5); short protein forms W1182*.
Identifiers: ClinVar variation 2041343 (VCV002041343.4), dbSNP rs537587602, ClinGen allele CA392257970.